The following is an entry in ClinVar:

NM_000222.3(KIT):c.337+1G>A

Gene: KIT (KIT proto-oncogene, receptor tyrosine kinase; plus strand). Cytogenetic location: 4q12.
Variant type: single nucleotide variant.
Coding change: c.337+1G>A on transcript NM_000222.3 (MANE Select); the canonical splice donor site of the intron after coding-DNA position 337, G replaced by A.
Molecular consequence: splice donor variant.
Genome position (GRCh38, 1-based): chr4:54,695,782, G>A. VCF-style: chr4-54695782-G-A. GRCh37 (hg19) VCF-style: chr4-55561948-G-A.
Other names: c.337+1G>A (NM_001385284.1, NM_001385290.1, NM_001385288.1 and 4 more transcripts).
Identifiers: ClinVar variation 4976671 (VCV004976671.1).
Genomic context (GRCh38, chr4:54,695,782, plus strand): 5'-GCAAATACACGTGCACCAACAAACACGGCTTAAGCAATTCCATTTATGTGTTTGTTAGAG[G>A]TAAATGCTTGGCTTTCTGCAGTGCTGTGCTTTCAAGAATTTAATATCCTGCTCTTAATTT-3'

ClinVar aggregate classification (germline): Pathogenic (1 of 4 stars; one submission).

Submission:

GeneDx
Classification: Pathogenic. Last evaluated: 2026-03-15. Review status: criteria provided, single submitter. Criteria: GeneDx Variant Classification Process June 2021. Collection method: clinical testing. Allele origin: germline.
Comment: Canonical splice site variant predicted to result in an in-frame loss of the adjacent exon in a gene for which loss of function is a known mechanism of disease; Not observed at significant frequency in large population cohorts (gnomAD); Has not been previously published as pathogenic or benign to our knowledge